The following is an entry in ClinVar:

NM_001267550.2(TTN):c.51654C>G (p.Tyr17218Ter)

Genes: TTN (titin; minus strand), TTN-AS1 (TTN antisense RNA 1; plus strand). Cytogenetic location: 2q31.2.
Variant type: single nucleotide variant.
Coding change: c.51654C>G on transcript NM_001267550.2 (MANE Select); coding-DNA position 51654, C replaced by G.
Protein change: p.Tyr17218Ter; replaces tyrosine 17218 with a stop codon.
Molecular consequence: nonsense.
Genome position (GRCh38, 1-based): chr2:178,609,769, G>C on the plus strand (C>G on the coding strand, the complement: TTN is on the minus strand). VCF-style: chr2-178609769-G-C. GRCh37 (hg19) VCF-style: chr2-179474496-G-C.
Other names: c.46731C>G, p.Tyr15577Ter (NM_001256850.1); c.24459C>G, p.Tyr8153Ter (NM_003319.4); c.43950C>G, p.Tyr14650Ter (NM_133378.4); c.24834C>G, p.Tyr8278Ter (NM_133432.3); c.25035C>G, p.Tyr8345Ter (NM_133437.4); short protein forms Y15577*, Y17218*, Y8153*, Y8345*, Y14650*, Y8278*.
Identifiers: ClinVar variation 429894 (VCV000429894.4), dbSNP rs1131691655, ClinGen allele CA349583453.

ClinVar aggregate classification (germline): Pathogenic. Review status: criteria provided, multiple submitters, no conflicts (2 of 4 stars). 2 submissions from 2 submitters: Pathogenic (2). Last evaluated 2015-09-16.

Conditions:
Primary familial dilated cardiomyopathy (FDC). Also called: Hypokinetic dilated cardiomyopathy, familial; Familial dilated cardiomyopathy. Identifiers: Orphanet 217607, MedGen C0340427, MONDO:0016333.

Submissions (2):

GeneDx
Classification: Pathogenic. Last evaluated: 2015-09-16. Review status: criteria provided, single submitter. Criteria: GeneDx Variant Classification (06012015). Collection method: clinical testing. Allele origin: germline. Affected: yes.
Comment: The Y15577X variant in the TTN gene has not been reported previously as a pathogenic variant or as a benign variant, to our knowledge. This pathogenic variant is predicted to cause loss of normal protein function either due to production of an abnormal, prematurely truncated protein, or by absence of protein product due to nonsense mediated mRNA decay. Other truncating TTN variants have been reported in approximately 3% of control alleles (Herman et al., 2012). However, Y15577X is located in the A-band region of titin, where the majority of pathogenic truncating variants associated with DCM have been reported (Herman et al., 2012). Furthermore, Y15577X was not observed in approximately 6,000 individuals of European and African American ancestry in the NHLBI Exome Sequencing Project, indicating it is not a common benign variant in these populations. In summary, Y15577X in the TTN gene is interpreted as a pathogenic variant.

Molecular Diagnostic Laboratory for Inherited Cardiovascular Disease, Montreal Heart Institute
Classification: Pathogenic for Familial dilated cardiomyopathy. Review status: criteria provided, single submitter. Criteria: ACMG Guidelines, 2015. Collection method: clinical testing. Allele origin: germline. Affected: yes.